The following is an entry in ClinVar:

NM_017514.5(PLXNA3):c.1692C>T (p.Asn564=)

Gene: PLXNA3 (plexin A3; plus strand). Cytogenetic location: Xq28.
Variant type: single nucleotide variant.
Coding change: c.1692C>T on transcript NM_017514.5 (MANE Select); coding-DNA position 1692, C replaced by T.
Protein change: p.Asn564=; no amino-acid change (asparagine 564 retained).
Molecular consequence: synonymous variant.
Genome position (GRCh38, 1-based): chrX:154,464,177, C>T. VCF-style: chrX-154464177-C-T. GRCh37 (hg19) VCF-style: chrX-153692520-C-T.
Identifiers: ClinVar variation 3050172 (VCV003050172.2), dbSNP rs373213513, ClinGen allele CA10564142.

ClinVar aggregate classification (germline): Likely benign (0 of 4 stars; one submission).

Conditions:
PLXNA3-related disorder. Also called: PLXNA3-related condition.

Allele frequency attached by ClinVar (database versions not stated): TOPMed 0.00021; 1000 Genomes Project 0.00026; ExAC 0.00026; gnomAD exomes 0.00027; ESP Exome Variant Server 0.00028; gnomAD 0.00029; 1000 Genomes Project 30x 0.00042.
gnomAD v4.1: 329 of 1,208,561 alleles (0.027%); highest among the groups gnomAD compares: Non-Finnish European, 0.032%; no homozygotes.

Submission:

PreventionGenetics, part of Exact Sciences
Classification: Likely benign for PLXNA3-related condition. Last evaluated: 2022-03-10. Review status: no assertion criteria provided. Collection method: clinical testing. Allele origin: germline.
Comment: This variant is classified as likely benign based on ACMG/AMP sequence variant interpretation guidelines (Richards et al. 2015 PMID: 25741868, with internal and published modifications).